The following is an entry in ClinVar:

ClinVar aggregate classification (germline): Uncertain significance. Review status: criteria provided, multiple submitters, no conflicts (2 of 4 stars). 2 submissions from 2 submitters: Uncertain significance (2). Last evaluated 2025-09-22.

Conditions:
Inborn genetic diseases. Identifiers: MedGen C0950123, MeSH D030342.

Allele frequency attached by ClinVar (database versions not stated): TOPMed below 0.00001.

Submissions (2):

Ambry Genetics
Classification: Uncertain significance for Inborn genetic diseases. Last evaluated: 2025-09-22. Review status: criteria provided, single submitter. Criteria: Ambry Variant Classification Scheme 2023. Collection method: clinical testing. Allele origin: germline.

Labcorp Genetics (formerly Invitae), Labcorp
Classification: Uncertain significance. Last evaluated: 2024-09-29. Review status: criteria provided, single submitter. Criteria: Invitae Variant Classification Sherloc (09022015). Collection method: clinical testing. Allele origin: germline.
Comment: This sequence change replaces proline, which is neutral and non-polar, with threonine, which is neutral and polar, at codon 1603 of the TCF20 protein (p.Pro1603Thr). This variant is not present in population databases (gnomAD no frequency). This variant has not been reported in the literature in individuals affected with TCF20-related conditions. ClinVar contains an entry for this variant (Variation ID: 2185442). An algorithm developed to predict the effect of missense changes on protein structure and function (PolyPhen-2) suggests that this variant is likely to be disruptive. In summary, the available evidence is currently insufficient to determine the role of this variant in disease. Therefore, it has been classified as a Variant of Uncertain Significance.

NM_001378418.1(TCF20):c.4807C>A (p.Pro1603Thr)

Gene: TCF20 (transcription factor 20; minus strand). Cytogenetic location: 22q13.2.
Variant type: single nucleotide variant.
Coding change: c.4807C>A on transcript NM_001378418.1 (MANE Select); coding-DNA position 4807, C replaced by A.
Protein change: p.Pro1603Thr; replaces proline 1603 with threonine.
Molecular consequence: missense variant.
Genome position (GRCh38, 1-based): chr22:42,210,499, G>T on the plus strand (C>A on the coding strand, the complement: TCF20 is on the minus strand). VCF-style: chr22-42210499-G-T. GRCh37 (hg19) VCF-style: chr22-42606505-G-T.
Other names: c.4807C>A, p.Pro1603Thr (NM_005650.4, NM_181492.3); c.4807C>A (NM_005650.1); short protein forms P1603T.
Identifiers: ClinVar variation 2185442 (VCV002185442.5), dbSNP rs758748701, ClinGen allele CA411783276.